The following is an entry in ClinVar:

NM_000368.5(TSC1):c.251C>T (p.Ala84Val)

Gene: TSC1 (TSC complex subunit 1; minus strand). Cytogenetic location: 9q34.13.
Variant type: single nucleotide variant.
Coding change: c.251C>T on transcript NM_000368.5 (MANE Select); coding-DNA position 251, C replaced by T.
Protein change: p.Ala84Val; replaces alanine 84 with valine.
Molecular consequence: missense variant. On other transcripts: 5 prime UTR variant (18), non-coding transcript variant (5), intron variant (5).
Genome position (GRCh38, 1-based): chr9:132,925,699, G>A on the plus strand (C>T on the coding strand, the complement: TSC1 is on the minus strand). VCF-style: chr9-132925699-G-A. GRCh37 (hg19) VCF-style: chr9-135801086-G-A.
Other names: c.251C>T, p.Ala84Val (NM_001162426.2, NM_001406592.1, NM_001406593.1 and 16 more transcripts); c.-113C>T (NM_001362177.2, NM_001406617.1, NM_001406618.1 and 5 more transcripts); c.-205C>T (NM_001406614.1, NM_001406616.1, NM_001406624.1); c.-238C>T (NM_001406615.1, NM_001406623.1); c.-627C>T (NM_001406626.1, NM_001406627.1, NM_001406628.1); c.-769C>T (NM_001406629.1); c.-843C>T (NM_001406630.1); c.210+1502C>T (NM_001406613.1, NM_001406612.1, NM_001406610.1 and 2 more transcripts); short protein forms A84V.
Identifiers: ClinVar variation 4709611 (VCV004709611.1).

ClinVar aggregate classification (germline): Uncertain significance (1 of 4 stars; one submission).

Conditions:
Tuberous sclerosis 1 (TSC1). Identifiers: Orphanet 805, MedGen C1854465, MONDO:0008612, OMIM 191100.

Submission:

Labcorp Genetics (formerly Invitae), Labcorp
Classification: Uncertain significance for Tuberous sclerosis 1. Last evaluated: 2025-05-21. Review status: criteria provided, single submitter. Criteria: Invitae Variant Classification Sherloc (09022015). Collection method: clinical testing. Allele origin: germline.
Comment: This sequence change replaces alanine, which is neutral and non-polar, with valine, which is neutral and non-polar, at codon 84 of the TSC1 protein (p.Ala84Val). This variant is not present in population databases (gnomAD no frequency). This variant has not been reported in the literature in individuals affected with TSC1-related conditions. Invitae Evidence Modeling of protein sequence and biophysical properties (such as structural, functional, and spatial information, amino acid conservation, physicochemical variation, residue mobility, and thermodynamic stability) indicates that this missense variant is not expected to disrupt TSC1 protein function with a negative predictive value of 95%. In summary, the available evidence is currently insufficient to determine the role of this variant in disease. Therefore, it has been classified as a Variant of Uncertain Significance.